The following is an entry in ClinVar:

ClinVar aggregate classification (germline): Pathogenic (1 of 4 stars; one submission).

Conditions:
Tuberous sclerosis 2 (TSC2). Identifiers: Orphanet 805, MedGen C1860707, MONDO:0013199, OMIM 613254.

Submission:

Labcorp Genetics (formerly Invitae), Labcorp
Classification: Pathogenic for Tuberous sclerosis 2. Last evaluated: 2022-03-11. Review status: criteria provided, single submitter. Criteria: Invitae Variant Classification Sherloc (09022015). Collection method: clinical testing. Allele origin: germline.
Comment: Algorithms developed to predict the effect of sequence changes on RNA splicing suggest that this variant may disrupt the consensus splice site. This variant disrupts a region of the TSC2 protein in which other variant(s) (p.Leu1027Pro) have been determined to be pathogenic (PMID: 15595939; Invitae). This suggests that this is a clinically significant region of the protein, and that variants that disrupt it are likely to be disease-causing. For these reasons, this variant has been classified as Pathogenic. This variant has not been reported in the literature in individuals affected with TSC2-related conditions. This variant results in the deletion of part of exon 27 of the TSC2 gene. It is expected to disrupt RNA splicing. Variants that disrupt the donor or acceptor splice site typically lead to a loss of protein function (PMID: 16199547), and loss-of-function variants in TSC2 are known to be pathogenic (PMID: 10205261, 17304050). This variant is not present in population databases (gnomAD no frequency).

Literature cited by the submitters: PubMed 15595939; PubMed 16199547; PubMed 10205261; PubMed 17304050.

NM_000548.5(TSC2):c.2967-32_3105del

Gene: TSC2 (TSC complex subunit 2; plus strand). Cytogenetic location: 16p13.3.
Variant type: Deletion.
Coding change: c.2967-32_3105del on transcript NM_000548.5 (MANE Select); 32 bases into the intron before coding-DNA position 2967 through coding-DNA position 3105, 171 bases deleted.
Molecular consequence: splice acceptor variant.
Genome position (GRCh38, 1-based): chr16:2,079,000-2,079,170, 171 bases deleted. GRCh37 (hg19): chr16:2,129,001-2,129,171.
Other names: c.2967-32_3105del (NM_001114382.3); c.2838-32_2976del (NM_021055.3, NM_001370405.1, NM_001363528.2); c.2838-35_2973del (NM_001370404.1, NM_001077183.3); c.2727-32_2865del (NM_001318827.2); c.2238-35_2373del (NM_001318831.2); c.2691-32_2829del (NM_001318829.2); c.2871-35_3006del (NM_001318832.2).
Identifiers: ClinVar variation 2109777 (VCV002109777.4), dbSNP rs2544021854, ClinGen allele CA2580090913.